The following is an entry in ClinVar:

NM_003630.3(PEX3):c.928A>G (p.Asn310Asp)

Gene: PEX3 (peroxisomal biogenesis factor 3; plus strand). Cytogenetic location: 6q24.2.
Variant type: single nucleotide variant.
Coding change: c.928A>G on transcript NM_003630.3 (MANE Select); coding-DNA position 928, A replaced by G.
Protein change: p.Asn310Asp; replaces asparagine 310 with aspartic acid.
Molecular consequence: missense variant.
Genome position (GRCh38, 1-based): chr6:143,479,185, A>G. VCF-style: chr6-143479185-A-G. GRCh37 (hg19) VCF-style: chr6-143800322-A-G.
Other names: p.Asn310Asp; short protein forms N310D.
Identifiers: ClinVar variation 2682958 (VCV002682958.1), dbSNP rs2482446399, ClinGen allele CA365886231.

ClinVar aggregate classification (germline): Uncertain significance (1 of 4 stars; one submission).

Submission:

Mayo Clinic Laboratories, Mayo Clinic
Classification: Uncertain significance. Last evaluated: 2022-12-14. Review status: criteria provided, single submitter. Criteria: ACMG Guidelines, 2015. Collection method: clinical testing. Allele origin: germline. Observed: 1 variant allele.
Comment: BP4, PM2